The following is an entry in ClinVar:

ClinVar aggregate classification (germline): Uncertain significance (1 of 4 stars; one submission).

Conditions:
Early-infantile DEE. Also called: Early infantile epileptic encephalopathy; Early infantile epileptic encephalopathy with suppression bursts; Ohtahara syndrome. Identifiers: Orphanet 1934, MedGen C0393706, MONDO:0800491.

Submission:

Labcorp Genetics (formerly Invitae), Labcorp
Classification: Uncertain significance for Early-infantile DEE. Last evaluated: 2022-03-12. Review status: criteria provided, single submitter. Criteria: Invitae Variant Classification Sherloc (09022015). Collection method: clinical testing. Allele origin: germline.
Comment: This sequence change replaces isoleucine, which is neutral and non-polar, with threonine, which is neutral and polar, at codon 1541 of the SPTAN1 protein (p.Ile1541Thr). This variant is not present in population databases (gnomAD no frequency). This variant has not been reported in the literature in individuals affected with SPTAN1-related conditions. Algorithms developed to predict the effect of missense changes on protein structure and function are either unavailable or do not agree on the potential impact of this missense change (SIFT: "Deleterious"; PolyPhen-2: "Not Available"; Align-GVGD: "Class C65"). In summary, the available evidence is currently insufficient to determine the role of this variant in disease. Therefore, it has been classified as a Variant of Uncertain Significance.

NM_001130438.3(SPTAN1):c.4622T>C (p.Ile1541Thr)

Gene: SPTAN1 (spectrin alpha, non-erythrocytic 1; plus strand). Cytogenetic location: 9q34.11.
Variant type: single nucleotide variant.
Coding change: c.4622T>C on transcript NM_001130438.3 (MANE Select); coding-DNA position 4622, T replaced by C.
Protein change: p.Ile1541Thr; replaces isoleucine 1541 with threonine.
Molecular consequence: missense variant.
Genome position (GRCh38, 1-based): chr9:128,609,148, T>C. VCF-style: chr9-128609148-T-C. GRCh37 (hg19) VCF-style: chr9-131371427-T-C.
Other names: c.4562T>C, p.Ile1521Thr (NM_001195532.2, NM_001363765.2, NM_001375314.2); c.4622T>C, p.Ile1541Thr (NM_001363759.2, NM_001375310.1, NM_001375311.2 and 2 more transcripts); c.4658T>C, p.Ile1553Thr (NM_001375312.2, NM_001375318.1); short protein forms I1541T, I1553T, I1521T.
Identifiers: ClinVar variation 2109665 (VCV002109665.4), dbSNP rs2541780785, ClinGen allele CA375068656.
Genomic context (GRCh38, chr9:128,609,148, plus strand): 5'-GCTCATGTTGGATCTCATGGTTTCACTCTTTCAGGTGGCGACGTCTGAAAGCCCAGATGA[T>C]TGAGAAAAGGTCAAAGCTAGGAGAATCTCAAACCCTCCAACAGTTCAGCCGGGATGTGGA-3'
Protein context (NP_001123910.1, residues 1531-1551): DRWRRLKAQM[Ile1541Thr]EKRSKLGESQ